The following is an entry in ClinVar:

NM_000297.4(PKD2):c.1781C>A (p.Ala594Asp)

Gene: PKD2 (polycystin 2, transient receptor potential cation channel; plus strand). Cytogenetic location: 4q22.1.
Variant type: single nucleotide variant.
Coding change: c.1781C>A on transcript NM_000297.4 (MANE Select); coding-DNA position 1781, C replaced by A.
Protein change: p.Ala594Asp; replaces alanine 594 with aspartic acid.
Molecular consequence: missense variant. On other transcripts: non-coding transcript variant (1).
Genome position (GRCh38, 1-based): chr4:88,056,150, C>A. VCF-style: chr4-88056150-C-A. GRCh37 (hg19) VCF-style: chr4-88977302-C-A.
Other names: short protein forms A594D.
Identifiers: ClinVar variation 3031974 (VCV003031974.2), dbSNP rs769963846, ClinGen allele CA357622739.

ClinVar aggregate classification (germline): Uncertain significance (0 of 4 stars; one submission).

Conditions:
PKD2-related disorder. Also called: PKD2-related condition.

Submission:

PreventionGenetics, part of Exact Sciences
Classification: Uncertain significance for PKD2-related condition. Last evaluated: 2024-04-01. Review status: no assertion criteria provided. Collection method: clinical testing. Allele origin: germline.
Comment: The PKD2 c.1781C>A variant is predicted to result in the amino acid substitution p.Ala594Asp. To our knowledge, this variant has not been reported in the literature or in a large population database, indicating this variant is rare. Of note, we also found this variant in two additional affected individuals from the same family with cysts in kidney and liver at PreventionGenetics. Although we suspect this variant is pathogenic, at this time, the clinical significance of this variant is uncertain due to the absence of conclusive functional and genetic evidence.